The following is an entry in ClinVar:

NM_022369.4(STRA6):c.985del (p.Val329fs)

Gene: STRA6 (signaling receptor and transporter of retinol STRA6; minus strand). Cytogenetic location: 15q24.1.
Variant type: Deletion.
Coding change: c.985del on transcript NM_022369.4 (MANE Select); coding-DNA position 985, one base deleted (G; older notation c.985delG).
Protein change: p.Val329fs; shifts the reading frame from valine 329.
Molecular consequence: frameshift variant.
Genome position (GRCh38, 1-based): chr15:74,189,220, C deleted on the plus strand (G on the coding strand, the reverse complement: STRA6 is on the minus strand); the first of 4 consecutive C bases (chr15:74,189,220-74,189,223); deleting any one gives the same sequence. VCF-style (leftmost placement, unchanged base first): chr15-74189219-AC-A. GRCh37 (hg19) VCF-style: chr15-74481560-AC-A.
Other names: c.985del, p.Val329fs (NM_001142617.2, NM_001142618.2); c.958del, p.Val320fs (NM_001142619.2); c.1096del, p.Val366fs (NM_001199040.2); c.1030del, p.Val344fs (NM_001199041.2); c.1102del, p.Val368fs (NM_001199042.2); short protein forms V344fs, V366fs, V368fs, V329fs, V320fs.
Identifiers: ClinVar variation 1387638 (VCV001387638.6), dbSNP rs1595838712, ClinGen allele CA919590355.

ClinVar aggregate classification (germline): Pathogenic (1 of 4 stars; one submission).

Conditions:
Microphthalmia, syndromic 9. Also called: Matthew-Wood syndrome; ANOPHTHALMIA, CLINICAL, WITH MILD FACIAL DYSMORPHISM AND VARIABLE MALFORMATIONS OF THE LUNG, HEART, AND DIAPHRAGM; ANOPHTHALMIA/MICROPHTHALMIA AND PULMONARY HYPOPLASIA; PULMONARY AGENESIS, MICROPHTHALMIA, AND DIAPHRAGMATIC DEFECT; SPEAR SYNDROME. Identifiers: Orphanet 2470, MedGen C1832661, MONDO:0011010, OMIM 601186.

Submission:

Labcorp Genetics (formerly Invitae), Labcorp
Classification: Pathogenic for Microphthalmia, syndromic 9. Last evaluated: 2021-08-28. Review status: criteria provided, single submitter. Criteria: Invitae Variant Classification Sherloc (09022015). Collection method: clinical testing. Allele origin: germline.
Comment: For these reasons, this variant has been classified as Pathogenic. This variant has not been reported in the literature in individuals affected with STRA6-related conditions. This variant is not present in population databases (ExAC no frequency). This sequence change creates a premature translational stop signal (p.Val329Serfs*27) in the STRA6 gene. It is expected to result in an absent or disrupted protein product. Loss-of-function variants in STRA6 are known to be pathogenic (PMID: 17273977, 19309693).

Literature cited by the submitters: PubMed 17273977; PubMed 19309693.